The following is an entry in ClinVar:

NM_003560.4(PLA2G6):c.1168G>A (p.Ala390Thr)

Gene: PLA2G6 (phospholipase A2 group VI; minus strand). Cytogenetic location: 22q13.1.
Variant type: single nucleotide variant.
Coding change: c.1168G>A on transcript NM_003560.4 (MANE Select); coding-DNA position 1168, G replaced by A.
Protein change: p.Ala390Thr; replaces alanine 390 with threonine.
Molecular consequence: missense variant.
Genome position (GRCh38, 1-based): chr22:38,129,472, C>T on the plus strand (G>A on the coding strand, the complement: PLA2G6 is on the minus strand). VCF-style: chr22-38129472-C-T. GRCh37 (hg19) VCF-style: chr22-38525479-C-T.
Other names: c.1168G>A, p.Ala390Thr (NM_001004426.3, NM_001199562.3, NM_001349864.2 and 2 more transcripts); c.634G>A, p.Ala212Thr (NM_001349867.2, NM_001349869.2); c.490G>A, p.Ala164Thr (NM_001349868.2); short protein forms A164T, A212T, A390T.
Identifiers: ClinVar variation 2054322 (VCV002054322.4), dbSNP rs775059242, ClinGen allele CA10231008.

ClinVar aggregate classification (germline): Uncertain significance (1 of 4 stars; one submission).

Conditions:
Infantile neuroaxonal dystrophy (NBIA2A). Also called: NEURODEGENERATION WITH BRAIN IRON ACCUMULATION 2A; SEITELBERGER DISEASE; Infantile neuroaxonal dystrophy 1. Identifiers: Orphanet 35069, MedGen C0270724, MONDO:0024457, OMIM 256600.

Allele frequency attached by ClinVar (database versions not stated): TOPMed below 0.00001; ExAC 0.00001; gnomAD exomes 0.00001; gnomAD 0.00001.
gnomAD v4.1: 4 of 1,612,822 alleles (0.00025%); highest among the groups gnomAD compares: Non-Finnish European, 0.00034%; no homozygotes.

Submission:

Labcorp Genetics (formerly Invitae), Labcorp
Classification: Uncertain significance for Infantile neuroaxonal dystrophy. Last evaluated: 2024-10-28. Review status: criteria provided, single submitter. Criteria: Invitae Variant Classification Sherloc (09022015). Collection method: clinical testing. Allele origin: germline.
Comment: This sequence change replaces alanine, which is neutral and non-polar, with threonine, which is neutral and polar, at codon 390 of the PLA2G6 protein (p.Ala390Thr). This variant is present in population databases (rs775059242, gnomAD 0.0009%). This variant has not been reported in the literature in individuals affected with PLA2G6-related conditions. ClinVar contains an entry for this variant (Variation ID: 2054322). Invitae Evidence Modeling of protein sequence and biophysical properties (such as structural, functional, and spatial information, amino acid conservation, physicochemical variation, residue mobility, and thermodynamic stability) indicates that this missense variant is expected to disrupt PLA2G6 protein function with a positive predictive value of 80%. In summary, the available evidence is currently insufficient to determine the role of this variant in disease. Therefore, it has been classified as a Variant of Uncertain Significance.